The following is an entry in ClinVar:

ClinVar aggregate classification (germline): Uncertain significance. Review status: criteria provided, multiple submitters, no conflicts (2 of 4 stars). 2 submissions from 2 submitters: Uncertain significance (2). Last evaluated 2025-02-26.

Allele frequency attached by ClinVar (database versions not stated): gnomAD exomes below 0.00001 and 0.00001; ExAC 0.00001.

Submissions (2):

GeneDx
Classification: Uncertain significance. Last evaluated: 2025-02-26. Review status: criteria provided, single submitter. Criteria: GeneDx Variant Classification Process June 2021. Collection method: clinical testing. Allele origin: germline. Affected: yes.
Comment: Not observed at significant frequency in large population cohorts (gnomAD); In silico analysis supports that this missense variant has a deleterious effect on protein structure/function; Has not been previously published as pathogenic or benign to our knowledge

CeGaT Center for Human Genetics Tuebingen
Classification: Uncertain significance. Last evaluated: 2022-07-01. Review status: criteria provided, single submitter. Criteria: CeGaT Center For Human Genetics Tuebingen Variant Classification Criteria Version 2. Collection method: clinical testing. Allele origin: germline. Affected: yes. Observed: 2 variant alleles.

NM_024818.6(UBA5):c.163C>T (p.Arg55Cys)

Genes: NPHP3-ACAD11 (NPHP3-ACAD11 readthrough (NMD candidate); minus strand), UBA5 (ubiquitin like modifier activating enzyme 5; plus strand). Cytogenetic location: 3q22.1.
Variant type: single nucleotide variant.
Coding change: c.163C>T on transcript NM_024818.6 (MANE Select); coding-DNA position 163, C replaced by T.
Protein change: p.Arg55Cys; replaces arginine 55 with cysteine.
Molecular consequence: missense variant. On other transcripts: 5 prime UTR variant (2), intron variant (2).
Genome position (GRCh38, 1-based): chr3:132,665,824, C>T. VCF-style: chr3-132665824-C-T. GRCh37 (hg19) VCF-style: chr3-132384668-C-T.
Other names: c.-6C>T (NM_001320210.2, NM_198329.4); c.-39-2994C>T (NM_001321239.1); c.28-2994C>T (NM_001321238.2); short protein forms R55C.
Identifiers: ClinVar variation 1701463 (VCV001701463.32), dbSNP rs768687133, ClinGen allele CA2621284.